The following is an entry in ClinVar:

ClinVar aggregate classification (germline): Uncertain significance. Review status: criteria provided, multiple submitters, no conflicts (2 of 4 stars). 2 submissions from 2 submitters: Uncertain significance (2). Last evaluated 2024-08-27.

Conditions:
Long QT syndrome (LQTS). Identifiers: MedGen C0023976, MeSH D008133, MONDO:0002442. Disease mechanism: loss of function. Inheritance: Various modes of inheritance.

Allele frequency attached by ClinVar (database versions not stated): gnomAD exomes below 0.00001.
gnomAD v4.1: 1 of 1,614,044 alleles (0.000062%); highest among the groups gnomAD compares: Non-Finnish European, 0.000085%; no homozygotes.

Submissions (2):

Labcorp Genetics (formerly Invitae), Labcorp
Classification: Uncertain significance for Long QT syndrome. Last evaluated: 2024-08-27. Review status: criteria provided, single submitter. Criteria: Invitae Variant Classification Sherloc (09022015). Collection method: clinical testing. Allele origin: germline.
Comment: This sequence change replaces valine, which is neutral and non-polar, with isoleucine, which is neutral and non-polar, at codon 516 of the KCNQ1 protein (p.Val516Ile). This variant is not present in population databases (gnomAD no frequency). This variant has not been reported in the literature in individuals affected with KCNQ1-related conditions. Invitae Evidence Modeling of protein sequence and biophysical properties (such as structural, functional, and spatial information, amino acid conservation, physicochemical variation, residue mobility, and thermodynamic stability) indicates that this missense variant is expected to disrupt KCNQ1 protein function with a positive predictive value of 80%. In summary, the available evidence is currently insufficient to determine the role of this variant in disease. Therefore, it has been classified as a Variant of Uncertain Significance.

All of Us Research Program, National Institutes of Health
Classification: Uncertain significance for Long QT syndrome. Last evaluated: 2023-08-28. Review status: criteria provided, single submitter. Criteria: ACMG Guidelines, 2015. Collection method: clinical testing. Allele origin: germline. Inheritance: Autosomal dominant inheritance. Observed: 2 variant alleles, 2 heterozygotes.
Comment: This missense variant replaces valine with isoleucine at codon 516 of the KCNQ1 protein. Computational prediction suggests that this variant may have deleterious impact on protein structure and function (internally defined REVEL score threshold >= 0.7, PMID: 27666373). To our knowledge, functional studies have not been reported for this variant. This variant has not been reported in individuals affected with KCNQ1-related disorders in the literature. This variant has not been identified in the general population by the Genome Aggregation Database (gnomAD). The available evidence is insufficient to determine the role of this variant in disease conclusively. Therefore, this variant is classified as a Variant of Uncertain Significance.

This study involves interpretation of variants in research participants for the purpose of population health screening. Participant phenotype was not available at the time of variant classification. Additional details can be found in publication PMID: 35346344, PMCID: PMC8962531

NM_000218.3(KCNQ1):c.1546G>A (p.Val516Ile)

Gene: KCNQ1 (potassium voltage-gated channel subfamily Q member 1; plus strand). Cytogenetic location: 11p15.5.
Variant type: single nucleotide variant.
Coding change: c.1546G>A on transcript NM_000218.3 (MANE Select); coding-DNA position 1546, G replaced by A.
Protein change: p.Val516Ile; replaces valine 516 with isoleucine.
Molecular consequence: missense variant.
Genome position (GRCh38, 1-based): chr11:2,768,875, G>A. VCF-style: chr11-2768875-G-A. GRCh37 (hg19) VCF-style: chr11-2790105-G-A.
Other names: c.1450G>A, p.Val484Ile (NM_001406836.1); c.1276G>A, p.Val426Ile (NM_001406837.1); c.1006G>A, p.Val336Ile (NM_001406838.1); c.1165G>A, p.Val389Ile (NM_181798.2); short protein forms V336I, V389I, V484I, V426I, V516I.
Identifiers: ClinVar variation 2886461 (VCV002886461.4), dbSNP rs1564886392, ClinGen allele CA379138952.